The following is an entry in ClinVar:

ClinVar aggregate classification (germline): Likely benign (1 of 4 stars; one submission).

Allele frequency attached by ClinVar (database versions not stated): gnomAD exomes 0.00017; 1000 Genomes Project 0.00619; 1000 Genomes Project 30x 0.00640; gnomAD 0.00780 and 0.00845; TOPMed 0.00905.
gnomAD v4.1: 1,175 of 158,202 alleles (0.74%); highest among the groups gnomAD compares: African/African-American, 2.7%; 18 homozygotes.

Submission:

GeneDx
Classification: Likely benign. Last evaluated: 2021-10-01. Review status: criteria provided, single submitter. Criteria: GeneDx Variant Classification Process June 2021. Collection method: clinical testing. Allele origin: germline. Affected: yes.
Comment: See Variant Classification Assertion Criteria.

NM_000057.4(BLM):c.3020-375G>A

Gene: BLM (BLM RecQ like helicase; plus strand). Cytogenetic location: 15q26.1.
Variant type: single nucleotide variant.
Coding change: c.3020-375G>A on transcript NM_000057.4 (MANE Select); 375 bases into the intron before coding-DNA position 3020, G replaced by A.
Molecular consequence: intron variant.
Genome position (GRCh38, 1-based): chr15:90,793,792, G>A. VCF-style: chr15-90793792-G-A. GRCh37 (hg19) VCF-style: chr15-91337022-G-A.
Other names: c.3020-375G>A (NM_001287246.2, NM_001287247.2); c.1895-375G>A (NM_001287248.2).
Identifiers: ClinVar variation 1695450 (VCV001695450.2), dbSNP rs28385100, ClinGen allele CA274767073.